The following is an entry in ClinVar:

ClinVar aggregate classification (germline): Uncertain significance (1 of 4 stars; one submission).

Submission:

GeneDx
Classification: Uncertain significance. Last evaluated: 2024-12-31. Review status: criteria provided, single submitter. Criteria: GeneDx Variant Classification Process June 2021. Collection method: clinical testing. Allele origin: germline. Affected: yes.
Comment: Not observed at significant frequency in large population cohorts (gnomAD); In silico analysis indicates that this missense variant does not alter protein structure/function; Has not been previously published as pathogenic or benign to our knowledge

NM_002516.4(NOVA2):c.983C>T (p.Ala328Val)

Gene: NOVA2 (NOVA alternative splicing regulator 2; minus strand). Cytogenetic location: 19q13.32.
Variant type: single nucleotide variant.
Coding change: c.983C>T on transcript NM_002516.4 (MANE Select); coding-DNA position 983, C replaced by T.
Protein change: p.Ala328Val; replaces alanine 328 with valine.
Molecular consequence: missense variant.
Genome position (GRCh38, 1-based): chr19:45,940,359, G>A on the plus strand (C>T on the coding strand, the complement: NOVA2 is on the minus strand). VCF-style: chr19-45940359-G-A. GRCh37 (hg19) VCF-style: chr19-46443617-G-A.
Other names: short protein forms A328V.
Identifiers: ClinVar variation 3908023 (VCV003908023.1).